The following is an entry in ClinVar:

NM_000169.3(GLA):c.109G>T (p.Ala37Ser)

Genes: GLA (galactosidase alpha; minus strand), RPL36A-HNRNPH2 (RPL36A-HNRNPH2 readthrough; plus strand). Cytogenetic location: Xq22.1.
Variant type: single nucleotide variant.
Coding change: c.109G>T on transcript NM_000169.3 (MANE Select); coding-DNA position 109, G replaced by T.
Protein change: p.Ala37Ser; replaces alanine 37 with serine.
Molecular consequence: missense variant. On other transcripts: non-coding transcript variant (3), intron variant (2).
Genome position (GRCh38, 1-based): chrX:101,407,795, C>A on the plus strand (G>T on the coding strand, the complement: GLA is on the minus strand). VCF-style: chrX-101407795-C-A. GRCh37 (hg19) VCF-style: chrX-100662783-C-A.
Other names: c.109G>T, p.Ala37Ser (NM_001406747.1, NM_001406748.1, NM_001406749.1); c.301-4141C>A (NM_001199973.2); c.178-4141C>A (NM_001199974.2); short protein forms A37S.
Identifiers: ClinVar variation 4087527 (VCV004087527.2).

ClinVar aggregate classification (germline): Likely pathogenic (1 of 4 stars; one submission).

Conditions:
Fabry disease. Also called: ALPHA-GALACTOSIDASE A DEFICIENCY; ANDERSON-FABRY DISEASE; CERAMIDE TRIHEXOSIDASE DEFICIENCY; GLA DEFICIENCY; HEREDITARY DYSTOPIC LIPIDOSIS; Angiokeratoma corporis diffusum. Identifiers: Orphanet 324, MedGen C0002986, MONDO:0010526, OMIM 301500, HP:0001071. Disease mechanism: Fabry disease is due to inactivating mutations in the X-linked GLA gene resulting in deficiency of the enzyme Alpha Galactosidase-A., loss of function.

Submission:

Genomenon, Inc
Classification: Likely pathogenic for Fabry disease. Last evaluated: 2026-09-08. Review status: criteria provided, single submitter. Criteria: Genomenon Sequence Variant Interpretation Standards - Updated. Collection method: curation. Allele origin: germline. Affected: yes.
Comment: GLA p.Ala37Ser (c.109G>T) is a missense variant that changes the amino acid at codon 37 from Alanine to Serine. This variant has been observed in at least one proband with clinical features consistent with Fabry disease (PMID:30677769). Functional or patient cell studies have been reported (PMID:30677769). The presence of pathogenic/likely pathogenic missense variant(s) at the same amino acid position indicates that this residue is likely important for protein function. It is absent or not present at a significant frequency in gnomAD. In conclusion, we classify GLA p.Ala37Ser (c.109G>T) as a likely pathogenic variant.

Literature cited by the submitters: PubMed 30677769.